The following is an entry in ClinVar:

NM_000551.4(VHL):c.611A>T (p.Glu204Val)

Genes: VHL (von Hippel-Lindau tumor suppressor; plus strand), LOC107303340 (3p25 von Hippel-Lindau tumor suppressor, E3 ubiquitin protein ligase Alu-mediated recombination region; plus strand). Cytogenetic location: 3p25.3.
Variant type: single nucleotide variant.
Coding change: c.611A>T on transcript NM_000551.4 (MANE Select); coding-DNA position 611, A replaced by T.
Protein change: p.Glu204Val; replaces glutamic acid 204 with valine.
Molecular consequence: missense variant. On other transcripts: 3 prime UTR variant (1), non-coding transcript variant (1).
Genome position (GRCh38, 1-based): chr3:10,149,934, A>T. VCF-style: chr3-10149934-A-T. GRCh37 (hg19) VCF-style: chr3-10191618-A-T.
Other names: c.*165A>T (NM_001354723.2); c.488A>T, p.Glu163Val (NM_198156.3); short protein forms E163V, E204V.
Identifiers: ClinVar variation 3753903 (VCV003753903.2).

ClinVar aggregate classification (germline): Uncertain significance (1 of 4 stars; one submission).

Conditions:
Chuvash polycythemia. Also called: POLYCYTHEMIA, VHL-DEPENDENT. Identifiers: Orphanet 238557, MedGen C1837915, MONDO:0009892, OMIM 263400.
Von Hippel-Lindau syndrome (VHLS). Also called: VHL syndrome; von Hippel–Lindau syndrome; Von Hippel-Lindau. Identifiers: Orphanet 892, MedGen C0019562, MONDO:0008667, OMIM 193300. Disease mechanism: loss of function.

Submission:

Labcorp Genetics (formerly Invitae), Labcorp
Classification: Uncertain significance for Von Hippel-Lindau syndrome; Chuvash polycythemia. Last evaluated: 2024-06-13. Review status: criteria provided, single submitter. Criteria: Invitae Variant Classification Sherloc (09022015). Collection method: clinical testing. Allele origin: germline.
Comment: This sequence change replaces glutamic acid, which is acidic and polar, with valine, which is neutral and non-polar, at codon 204 of the VHL protein (p.Glu204Val). This variant is not present in population databases (gnomAD no frequency). This variant has not been reported in the literature in individuals affected with VHL-related conditions. Advanced modeling of protein sequence and biophysical properties (such as structural, functional, and spatial information, amino acid conservation, physicochemical variation, residue mobility, and thermodynamic stability) performed at Invitae indicates that this missense variant is expected to disrupt VHL protein function with a positive predictive value of 95%. Algorithms developed to predict the effect of sequence changes on RNA splicing suggest that this variant may create or strengthen a splice site. In summary, the available evidence is currently insufficient to determine the role of this variant in disease. Therefore, it has been classified as a Variant of Uncertain Significance.